The following is an entry in ClinVar:

ClinVar aggregate classification (germline): Uncertain significance. Review status: criteria provided, multiple submitters, no conflicts (2 of 4 stars). 2 submissions from 2 submitters: Uncertain significance (2). Last evaluated 2025-10-23.

Conditions:
Primary dilated cardiomyopathy (DCM). Also called: Dilated Cardiomyopathy. Identifiers: Orphanet 217604, MedGen C0007193, MeSH D002311, MONDO:0005021, HP:0001644. Inheritance: Various modes of inheritance.

Allele frequency attached by ClinVar (database versions not stated): ExAC 0.00001; gnomAD exomes 0.00001 and 0.00008; TOPMed 0.00003; gnomAD 0.00004.
gnomAD v4.1: 121 of 1,602,320 alleles (0.0076%); highest among the groups gnomAD compares: Non-Finnish European, 0.01%; no homozygotes.

Submissions (2):

Ambry Genetics
Classification: Uncertain significance. Last evaluated: 2025-10-23. Review status: criteria provided, single submitter. Criteria: Ambry Variant Classification Scheme 2023. Collection method: clinical testing. Allele origin: germline.
Comment: The p.D272G variant (also known as c.815A>G), located in coding exon 9 of the NEBL gene, results from an A to G substitution at nucleotide position 815. The aspartic acid at codon 272 is replaced by glycine, an amino acid with similar properties. This amino acid position is conserved. In addition, this alteration is predicted to be tolerated by in silico analysis. Since supporting evidence is limited at this time, the clinical significance of this alteration remains unclear.

Labcorp Genetics (formerly Invitae), Labcorp
Classification: Uncertain significance for Primary dilated cardiomyopathy. Last evaluated: 2024-11-06. Review status: criteria provided, single submitter. Criteria: Invitae Variant Classification Sherloc (09022015). Collection method: clinical testing. Allele origin: germline.
Comment: This sequence change replaces aspartic acid, which is acidic and polar, with glycine, which is neutral and non-polar, at codon 272 of the NEBL protein (p.Asp272Gly). This variant is present in population databases (rs778861859, gnomAD 0.004%). This variant has not been reported in the literature in individuals affected with NEBL-related conditions. ClinVar contains an entry for this variant (Variation ID: 1347796). An algorithm developed to predict the effect of missense changes on protein structure and function outputs the following: PolyPhen-2: "Benign". The glycine amino acid residue is found in multiple mammalian species, which suggests that this missense change does not adversely affect protein function. In summary, the available evidence is currently insufficient to determine the role of this variant in disease. Therefore, it has been classified as a Variant of Uncertain Significance.

NM_006393.3(NEBL):c.815A>G (p.Asp272Gly)

Gene: NEBL (nebulette; minus strand). Cytogenetic location: 10p12.31.
Variant type: single nucleotide variant.
Coding change: c.815A>G on transcript NM_006393.3 (MANE Select); coding-DNA position 815, A replaced by G.
Protein change: p.Asp272Gly; replaces aspartic acid 272 with glycine.
Molecular consequence: missense variant. On other transcripts: intron variant (9).
Genome position (GRCh38, 1-based): chr10:20,858,328, T>C on the plus strand (A>G on the coding strand, the complement: NEBL is on the minus strand). VCF-style: chr10-20858328-T-C. GRCh37 (hg19) VCF-style: chr10-21147257-T-C.
Other names: c.250-45388A>G (NM_001377326.1, NM_001377327.1, NM_001377328.1); c.358-45388A>G (NM_213569.2, NM_001173484.2, NM_001377322.1); c.301-45388A>G (NM_001377324.1); c.292-45388A>G (NM_001377325.1); c.310-45388A>G (NM_001377323.1); short protein forms D272G.
Identifiers: ClinVar variation 1347796 (VCV001347796.10), dbSNP rs778861859, ClinGen allele CA5433084.